The following is an entry in ClinVar:

ClinVar aggregate classification (germline): Likely pathogenic (1 of 4 stars; one submission).

Conditions:
Glycogen storage disease, type II (IOPD). Also called: Glucosidase acid-1,4-alpha deficiency; Pompe Disease; Glycogen storage disease type 2; Acid maltase deficiency disease; Aglucosidase alfa; Deficiency of alpha-glucosidase. Identifiers: Orphanet 365, MedGen C0017921, MONDO:0009290, OMIM 232300.

Submission:

Labcorp Genetics (formerly Invitae), Labcorp
Classification: Likely pathogenic for Glycogen storage disease, type II. Last evaluated: 2023-11-21. Review status: criteria provided, single submitter. Criteria: Invitae Variant Classification Sherloc (09022015). Collection method: clinical testing. Allele origin: germline.
Comment: This sequence change replaces threonine, which is neutral and polar, with serine, which is neutral and polar, at codon 711 of the GAA protein (p.Thr711Ser). This variant is not present in population databases (gnomAD no frequency). This variant has not been reported in the literature in individuals affected with GAA-related conditions. Advanced modeling of protein sequence and biophysical properties (such as structural, functional, and spatial information, amino acid conservation, physicochemical variation, residue mobility, and thermodynamic stability) performed at Invitae indicates that this missense variant is expected to disrupt GAA protein function with a positive predictive value of 95%. This variant disrupts the p.Thr711 amino acid residue in GAA. Other variant(s) that disrupt this residue have been determined to be pathogenic (PMID: 18211760, 23884227, 28394184). This suggests that this residue is clinically significant, and that variants that disrupt this residue are likely to be disease-causing. In summary, the currently available evidence indicates that the variant is pathogenic, but additional data are needed to prove that conclusively. Therefore, this variant has been classified as Likely Pathogenic.

Literature cited by the submitters: PubMed 18211760; PubMed 23884227; PubMed 28394184.

NM_000152.5(GAA):c.2131A>T (p.Thr711Ser)

Gene: GAA (alpha glucosidase; plus strand). Cytogenetic location: 17q25.3.
Variant type: single nucleotide variant.
Coding change: c.2131A>T on transcript NM_000152.5 (MANE Select); coding-DNA position 2131, A replaced by T.
Protein change: p.Thr711Ser; replaces threonine 711 with serine.
Molecular consequence: missense variant.
Genome position (GRCh38, 1-based): chr17:80,113,308, A>T. VCF-style: chr17-80113308-A-T. GRCh37 (hg19) VCF-style: chr17-78087107-A-T.
Other names: c.2131A>T, p.Thr711Ser (NM_001079803.3, NM_001079804.3, NM_001406741.1 and 1 more transcripts); short protein forms T711S.
Identifiers: ClinVar variation 2697945 (VCV002697945.3), dbSNP rs2143896492, ClinGen allele CA401370554.